The following is an entry in ClinVar:

NM_139215.3(TAF15):c.1315G>A (p.Gly439Arg)

Gene: TAF15 (TATA-box binding protein associated factor 15; plus strand). Cytogenetic location: 17q12.
Variant type: single nucleotide variant.
Coding change: c.1315G>A on transcript NM_139215.3 (MANE Select); coding-DNA position 1315, G replaced by A.
Protein change: p.Gly439Arg; replaces glycine 439 with arginine.
Molecular consequence: missense variant.
Genome position (GRCh38, 1-based): chr17:35,844,614, G>A. VCF-style: chr17-35844614-G-A. GRCh37 (hg19) VCF-style: chr17-34171618-G-A.
Other names: p.Gly439Arg; c.1306G>A, p.Gly436Arg (NM_003487.4); short protein forms G436R, G439R.
Identifiers: ClinVar variation 3380481 (VCV003380481.1).
Genomic context (GRCh38, chr17:35,844,614, plus strand): 5'-GGTGGAGACAGAAGTGGGGGTGGCTATGGTGGAGACAGAAGCAGCGGTGGTGGCTACAGC[G>A]GAGATAGAAGTGGGGGCGGCTATGGTGGAGACAGAAGTGGGGGTGGCTATGGTGGGGACA-3'
Protein context (NP_631961.1, residues 429-449): GDRSSGGGYS[Gly439Arg]DRSGGGYGGD

ClinVar aggregate classification (germline): Uncertain significance (1 of 4 stars; one submission).

gnomAD v4.1: 27 of 1,597,420 alleles (0.0017%); highest among the groups gnomAD compares: South Asian, 0.0023%; no homozygotes.

Submission:

Mayo Clinic Laboratories, Mayo Clinic
Classification: Uncertain significance. Last evaluated: 2024-09-06. Review status: criteria provided, single submitter. Criteria: ACMG Guidelines, 2015. Collection method: clinical testing. Allele origin: germline. Observed: 1 variant allele.
Comment: BP4